The following is an entry in ClinVar:

ClinVar aggregate classification (germline): Uncertain significance (1 of 4 stars; one submission).

Conditions:
Intellectual developmental disorder, autosomal dominant 1. Also called: MBD5 Haploinsufficiency; Intellectual disability, autosomal dominant 1. Identifiers: Orphanet 228402, MedGen C1969562, MONDO:0007974, OMIM 156200.

Allele frequency attached by ClinVar (database versions not stated): gnomAD exomes below 0.00001.
gnomAD v4.1: 2 of 1,614,038 alleles (0.00012%); highest among the groups gnomAD compares: Non-Finnish European, 0.00017%; no homozygotes.

Submission:

Labcorp Genetics (formerly Invitae), Labcorp
Classification: Uncertain significance for Intellectual developmental disorder, autosomal dominant 1. Last evaluated: 2023-10-09. Review status: criteria provided, single submitter. Criteria: Invitae Variant Classification Sherloc (09022015). Collection method: clinical testing. Allele origin: germline.
Comment: This sequence change replaces proline, which is neutral and non-polar, with serine, which is neutral and polar, at codon 390 of the MBD5 protein (p.Pro390Ser). This variant is not present in population databases (gnomAD no frequency). This variant has not been reported in the literature in individuals affected with MBD5-related conditions. Advanced modeling of protein sequence and biophysical properties (such as structural, functional, and spatial information, amino acid conservation, physicochemical variation, residue mobility, and thermodynamic stability) performed at Invitae indicates that this missense variant is not expected to disrupt MBD5 protein function. In summary, the available evidence is currently insufficient to determine the role of this variant in disease. Therefore, it has been classified as a Variant of Uncertain Significance.

NM_001378120.1(MBD5):c.1168C>T (p.Pro390Ser)

Gene: MBD5 (methyl-CpG binding domain protein 5; plus strand). Cytogenetic location: 2q23.1.
Variant type: single nucleotide variant.
Coding change: c.1168C>T on transcript NM_001378120.1 (MANE Select); coding-DNA position 1168, C replaced by T.
Protein change: p.Pro390Ser; replaces proline 390 with serine.
Molecular consequence: missense variant.
Genome position (GRCh38, 1-based): chr2:148,469,111, C>T. VCF-style: chr2-148469111-C-T. GRCh37 (hg19) VCF-style: chr2-149226680-C-T.
Other names: c.1168C>T, p.Pro390Ser (NM_018328.5); short protein forms P390S.
Identifiers: ClinVar variation 2850741 (VCV002850741.3), dbSNP rs2469862049, ClinGen allele CA348718543.